The following is an entry in ClinVar:

ClinVar aggregate classification (germline): Likely benign. Review status: criteria provided, single submitter (1 of 4 stars). 2 submissions from 2 submitters: Likely benign (1). 1 of the submissions does not count toward it. Last evaluated 2018-12-17.

Conditions:
TAF2-related disorder. Also called: TAF2-related condition.

Allele frequency attached by ClinVar (database versions not stated): gnomAD 0.00001 and 0.00002; gnomAD exomes 0.00001; ExAC 0.00002; TOPMed 0.00002; 1000 Genomes Project 30x 0.00031; 1000 Genomes Project 0.00040.
gnomAD v4.1: 28 of 1,613,664 alleles (0.0017%); highest among the groups gnomAD compares: Middle Eastern, 0.066%; 1 homozygote.

Submissions (2):

Genetic Services Laboratory, University of Chicago
Classification: Likely benign. Last evaluated: 2018-12-17. Review status: criteria provided, single submitter. Criteria: ACMG Guidelines, 2015. Collection method: clinical testing. Allele origin: germline. Affected: no.

PreventionGenetics, part of Exact Sciences
Classification: Likely benign for TAF2-related condition. Last evaluated: 2019-02-28. Review status: no assertion criteria provided. Collection method: clinical testing. Allele origin: germline. Not counted in ClinVar's aggregate classification.
Comment: This variant is classified as likely benign based on ACMG/AMP sequence variant interpretation guidelines (Richards et al. 2015 PMID: 25741868, with internal and published modifications).

NM_003184.4(TAF2):c.855T>C (p.His285=)

Gene: TAF2 (TATA-box binding protein associated factor 2; minus strand). Cytogenetic location: 8q24.12.
Variant type: single nucleotide variant.
Coding change: c.855T>C on transcript NM_003184.4 (MANE Select); coding-DNA position 855, T replaced by C.
Protein change: p.His285=; no amino-acid change (histidine 285 retained).
Molecular consequence: synonymous variant.
Genome position (GRCh38, 1-based): chr8:119,797,784, A>G on the plus strand (T>C on the coding strand, the complement: TAF2 is on the minus strand). VCF-style: chr8-119797784-A-G. GRCh37 (hg19) VCF-style: chr8-120810024-A-G.
Identifiers: ClinVar variation 1336946 (VCV001336946.6), dbSNP rs191349554, ClinGen allele CA4857465.